The following is an entry in ClinVar:

ClinVar aggregate classification (germline): Uncertain significance. Review status: criteria provided, multiple submitters, no conflicts (2 of 4 stars). 3 submissions from 3 submitters: Uncertain significance (3). Last evaluated 2025-05-20.

Conditions:
Inborn genetic diseases. Identifiers: MedGen C0950123, MeSH D030342.

Allele frequency attached by ClinVar (database versions not stated): ExAC 0.00002; gnomAD exomes 0.00004 and 0.00008; TOPMed 0.00004; gnomAD 0.00005.
gnomAD v4.1: 121 of 1,614,080 alleles (0.0075%); highest among the groups gnomAD compares: Middle Eastern, 0.016%; no homozygotes.

Submissions (3):

Ambry Genetics
Classification: Uncertain significance for Inborn genetic diseases. Last evaluated: 2025-05-20. Review status: criteria provided, single submitter. Criteria: Ambry Variant Classification Scheme 2023. Collection method: clinical testing. Allele origin: germline.

Labcorp Genetics (formerly Invitae), Labcorp
Classification: Uncertain significance. Last evaluated: 2022-09-12. Review status: criteria provided, single submitter. Criteria: Invitae Variant Classification Sherloc (09022015). Collection method: clinical testing. Allele origin: germline.
Comment: This sequence change replaces asparagine, which is neutral and polar, with serine, which is neutral and polar, at codon 277 of the EXTL3 protein (p.Asn277Ser). This variant is present in population databases (rs199663088, gnomAD 0.01%). This variant has not been reported in the literature in individuals affected with EXTL3-related conditions. ClinVar contains an entry for this variant (Variation ID: 1498653). Advanced modeling of protein sequence and biophysical properties (such as structural, functional, and spatial information, amino acid conservation, physicochemical variation, residue mobility, and thermodynamic stability) performed at Invitae indicates that this missense variant is not expected to disrupt EXTL3 protein function. Algorithms developed to predict the effect of sequence changes on RNA splicing suggest that this variant may create or strengthen a splice site. In summary, the available evidence is currently insufficient to determine the role of this variant in disease. Therefore, it has been classified as a Variant of Uncertain Significance.

Blueprint Genetics
Classification: Uncertain significance. Last evaluated: 2020-12-28. Review status: criteria provided, single submitter. Criteria: ACMG Guidelines, 2015. Collection method: clinical testing. Allele origin: germline.

NM_001440.4(EXTL3):c.830A>G (p.Asn277Ser)

Gene: EXTL3 (exostosin like glycosyltransferase 3; plus strand). Cytogenetic location: 8p21.1.
Variant type: single nucleotide variant.
Coding change: c.830A>G on transcript NM_001440.4 (MANE Select); coding-DNA position 830, A replaced by G.
Protein change: p.Asn277Ser; replaces asparagine 277 with serine.
Molecular consequence: missense variant.
Genome position (GRCh38, 1-based): chr8:28,716,889, A>G. VCF-style: chr8-28716889-A-G. GRCh37 (hg19) VCF-style: chr8-28574406-A-G.
Other names: c.830A>G (NM_001440.2); short protein forms N277S.
Identifiers: ClinVar variation 1498653 (VCV001498653.7), dbSNP rs199663088, ClinGen allele CA4696072.
Genomic context (GRCh38, chr8:28,716,889, plus strand): 5'-AGAAGCAGTTGTATTCCCTGCCACACTGGCGGACGGATGGACACAACCATGTCATCATCA[A>G]TCTGTCACGTAAGTCAGATACACAGAACCTTCTCTATAACGTCAGTACTGGCCGTGCCAT-3'
Protein context (NP_001431.1, residues 267-287): RTDGHNHVII[Asn277Ser]LSRKSDTQNL